The following is an entry in ClinVar:

NM_001005373.4(LRSAM1):c.1871G>C (p.Arg624Pro)

Gene: LRSAM1 (leucine rich repeat and sterile alpha motif containing 1; plus strand). Cytogenetic location: 9q33.3.
Variant type: single nucleotide variant.
Coding change: c.1871G>C on transcript NM_001005373.4 (MANE Select); coding-DNA position 1871, G replaced by C.
Protein change: p.Arg624Pro; replaces arginine 624 with proline.
Molecular consequence: missense variant. On other transcripts: non-coding transcript variant (2).
Genome position (GRCh38, 1-based): chr9:127,497,293, G>C. VCF-style: chr9-127497293-G-C. GRCh37 (hg19) VCF-style: chr9-130259572-G-C.
Other names: c.1871G>C, p.Arg624Pro (NM_001005374.4, NM_001384142.1, NM_138361.5); c.1790G>C, p.Arg597Pro (NM_001190723.3); c.1772G>C, p.Arg591Pro (NM_001384143.1); c.1082G>C, p.Arg361Pro (NM_001384144.1); short protein forms R591P, R597P, R361P, R624P.
Identifiers: ClinVar variation 4745001 (VCV004745001.1).
Genomic context (GRCh38, chr9:127,497,293, plus strand): 5'-ACTTCCTTGAACTGTCACAGGTGGGCGTCTCAGAAGCTGGCCTGCAGCACGAGATCCTCC[G>C]GAGAGTCCAGGAACTGCTGGATGCAGCCAGGATCCAGCCAGGTACAAGCACAGCTCCAGC-3'
Protein context (NP_001005373.1, residues 614-634): SEAGLQHEIL[Arg624Pro]RVQELLDAAR

ClinVar aggregate classification (germline): Uncertain significance (1 of 4 stars; one submission).

Conditions:
Charcot-Marie-Tooth disease axonal type 2P. Also called: CHARCOT-MARIE-TOOTH NEUROPATHY, TYPE 2P; CHARCOT-MARIE-TOOTH DISEASE, AXONAL, TYPE 2G; CMT 2G; Charcot-Marie-Tooth Neuropathy Type 2G. Identifiers: Orphanet 300319, Orphanet 99941, MedGen C3280797, MONDO:0013753, OMIM 614436.

Submission:

Labcorp Genetics (formerly Invitae), Labcorp
Classification: Uncertain significance for Charcot-Marie-Tooth disease axonal type 2P. Last evaluated: 2025-08-30. Review status: criteria provided, single submitter. Criteria: Invitae Variant Classification Sherloc (09022015). Collection method: clinical testing. Allele origin: germline.
Comment: This sequence change replaces arginine, which is basic and polar, with proline, which is neutral and non-polar, at codon 624 of the LRSAM1 protein (p.Arg624Pro). This variant is not present in population databases (gnomAD no frequency). This variant has not been reported in the literature in individuals affected with LRSAM1-related conditions. Invitae Evidence Modeling of protein sequence and biophysical properties (such as structural, functional, and spatial information, amino acid conservation, physicochemical variation, residue mobility, and thermodynamic stability) has been performed for this missense variant. However, the output from this modeling did not meet the statistical confidence thresholds required to predict the impact of this variant on LRSAM1 protein function. In summary, the available evidence is currently insufficient to determine the role of this variant in disease. Therefore, it has been classified as a Variant of Uncertain Significance.